The following is an entry in ClinVar:

ClinVar aggregate classification (germline): Uncertain significance (1 of 4 stars; one submission).

Conditions:
Hereditary cancer-predisposing syndrome. Also called: Hereditary Cancer Syndrome; Hereditary neoplastic syndrome; Tumor predisposition; Neoplastic Syndromes, Hereditary. Identifiers: Orphanet 140162, MedGen C0027672, MeSH D009386, MONDO:0015356.

Submission:

Ambry Genetics
Classification: Uncertain significance for Hereditary cancer-predisposing syndrome. Last evaluated: 2022-04-10. Review status: criteria provided, single submitter. Criteria: Ambry Variant Classification Scheme 2023. Collection method: clinical testing. Allele origin: germline.
Comment: The p.S838I variant (also known as c.2513G>T), located in coding exon 16 of the CDH1 gene, results from a G to T substitution at nucleotide position 2513. The serine at codon 838 is replaced by isoleucine, an amino acid with dissimilar properties. This amino acid position is conserved. In addition, the in silico prediction for this alteration is inconclusive. Since supporting evidence is limited at this time, the clinical significance of this alteration remains unclear.

NM_004360.5(CDH1):c.2513G>T (p.Ser838Ile)

Gene: CDH1 (cadherin 1; plus strand). Cytogenetic location: 16q22.1.
Variant type: single nucleotide variant.
Coding change: c.2513G>T on transcript NM_004360.5 (MANE Select); coding-DNA position 2513, G replaced by T.
Protein change: p.Ser838Ile; replaces serine 838 with isoleucine.
Molecular consequence: missense variant.
Genome position (GRCh38, 1-based): chr16:68,833,363, G>T. VCF-style: chr16-68833363-G-T. GRCh37 (hg19) VCF-style: chr16-68867266-G-T.
Other names: c.2330G>T, p.Ser777Ile (NM_001317184.2); c.965G>T, p.Ser322Ile (NM_001317185.2); c.548G>T, p.Ser183Ile (NM_001317186.2); short protein forms S183I, S777I, S322I, S838I.
Identifiers: ClinVar variation 1792429 (VCV001792429.2), dbSNP rs2152143972, ClinGen allele CA396472254.